The following is an entry in ClinVar:

NM_001267550.2(TTN):c.101925A>G (p.Leu33975=)

Genes: TTN (titin; minus strand), TTN-AS1 (TTN antisense RNA 1; plus strand). Cytogenetic location: 2q31.2.
Variant type: single nucleotide variant.
Coding change: c.101925A>G on transcript NM_001267550.2 (MANE Select); coding-DNA position 101925, A replaced by G.
Protein change: p.Leu33975=; no amino-acid change (leucine 33975 retained).
Molecular consequence: synonymous variant.
Genome position (GRCh38, 1-based): chr2:178,534,690, T>C on the plus strand (A>G on the coding strand, the complement: TTN is on the minus strand). VCF-style: chr2-178534690-T-C. GRCh37 (hg19) VCF-style: chr2-179399417-T-C.
Other names: p.Leu32334=; c.75105A>G, p.Leu25035= (NM_133432.3); c.75306A>G, p.Leu25102= (NM_133437.4); c.97002A>G, p.Leu32334= (NM_001256850.1); c.74730A>G, p.Leu24910= (NM_003319.4); c.94221A>G, p.Leu31407= (NM_133378.4).
Identifiers: ClinVar variation 178158 (VCV000178158.81), dbSNP rs201246720, ClinGen allele CA181580.

ClinVar aggregate classification (germline): Conflicting classifications of pathogenicity. Review status: criteria provided, conflicting classifications (1 of 4 stars). 21 submissions from 17 submitters: Uncertain significance (4); Benign (2); Likely benign (9). 6 of the submissions do not count toward it. Last evaluated 2026-01-31.

Conditions:
Cardiovascular phenotype. Identifiers: MedGen CN230736.
TTN-related disorder. Also called: TTN-related disorders; TTN-related condition; TTN-related disease.
Dilated cardiomyopathy 1G (CMD1G). Identifiers: Orphanet 154, MedGen C1858763, MONDO:0011400, OMIM 604145.
Autosomal recessive limb-girdle muscular dystrophy type 2J (LGMDR10). Also called: Limb-girdle muscular dystrophy, type 2J; MUSCULAR DYSTROPHY, LIMB-GIRDLE, AUTOSOMAL RECESSIVE 10. Identifiers: Orphanet 140922, MedGen C1837342, MONDO:0012127, OMIM 608807.
Early-onset myopathy with fatal cardiomyopathy (CMYO5). Also called: CONGENITAL MYOPATHY 5 WITH CARDIOMYOPATHY; Salih Myopathy. Identifiers: Orphanet 289377, MedGen C2673677, MONDO:0012714, OMIM 611705. Disease mechanism: loss of function.
Myopathy, myofibrillar, 9, with early respiratory failure (MFM9). Also called: Hereditary myopathy with early respiratory failure; MYOPATHY, PROXIMAL, WITH EARLY RESPIRATORY MUSCLE INVOLVEMENT; EDSTROM MYOPATHY; Myopathy, distal, with early respiratory failure, autosomal dominant. Identifiers: Orphanet 178464, Orphanet 34521, MedGen C1863599, MONDO:0011362, OMIM 603689.
Tibial muscular dystrophy (TMD). Also called: UDD MYOPATHY; Tibial muscular dystrophy, tardive; Udd Distal Myopathy – Tibial Muscular Dystrophy. Identifiers: Orphanet 609, MedGen C1838244, MONDO:0010870, OMIM 600334.

Allele frequency attached by ClinVar (database versions not stated): 1000 Genomes Project 30x 0.00016; 1000 Genomes Project 0.00020; ExAC 0.00022; gnomAD exomes 0.00023 and 0.00058; gnomAD 0.00026; TOPMed 0.00028; ESP Exome Variant Server 0.00057.
gnomAD v4.1: 868 of 1,613,878 alleles (0.054%); highest among the groups gnomAD compares: Non-Finnish European, 0.071%; 1 homozygote.

Submissions (21):

Labcorp Genetics (formerly Invitae), Labcorp
Classification: Likely benign for Dilated cardiomyopathy 1G; Autosomal recessive limb-girdle muscular dystrophy type 2J. Last evaluated: 2026-01-31. Review status: criteria provided, single submitter. Criteria: Invitae Variant Classification Sherloc (09022015). Collection method: clinical testing. Allele origin: germline.

Mayo Clinic Laboratories, Mayo Clinic
Classification: Likely benign. Last evaluated: 2025-06-25. Review status: criteria provided, single submitter. Criteria: ACMG Guidelines, 2015. Collection method: clinical testing. Allele origin: germline. Observed: 2 variant alleles.

Molecular Diagnostic Laboratory for Inherited Cardiovascular Disease, Montreal Heart Institute
Classification: Likely benign. Last evaluated: 2025-04-09. Review status: criteria provided, single submitter. Criteria: ACMG Guidelines, 2015. Collection method: clinical testing. Allele origin: germline. Affected: no.

Women's Health and Genetics/Laboratory Corporation of America, LabCorp
Classification: Likely benign. Last evaluated: 2025-04-03. Review status: criteria provided, single submitter. Criteria: LabCorp Variant Classification Summary - May 2015. Collection method: clinical testing. Allele origin: germline.

Blueprint Genetics
Classification: Likely benign. Last evaluated: 2024-07-05. Review status: criteria provided, single submitter. Criteria: ACMG Guidelines, 2015. Collection method: clinical testing. Allele origin: germline.

CeGaT Center for Human Genetics Tuebingen
Classification: Likely benign. Last evaluated: 2022-06-01. Review status: criteria provided, single submitter. Criteria: CeGaT Center For Human Genetics Tuebingen Variant Classification Criteria Version 2. Collection method: clinical testing. Allele origin: germline. Affected: yes. Observed: 1 variant allele.
Comment: TTN: BP4, BP7

Illumina Laboratory Services, Illumina
Classification: Uncertain significance for Dilated cardiomyopathy 1G. Last evaluated: 2018-01-12. Review status: criteria provided, single submitter. Criteria: ICSL Variant Classification Criteria 13 December 2019. Collection method: clinical testing. Allele origin: germline.

Illumina Laboratory Services, Illumina
Classification: Benign for Myopathy, myofibrillar, 9, with early respiratory failure. Last evaluated: 2018-01-12. Review status: criteria provided, single submitter. Criteria: ICSL Variant Classification Criteria 13 December 2019. Collection method: clinical testing. Allele origin: germline.
Comment: This variant was observed in the ICSL laboratory as part of a predisposition screen in an ostensibly healthy population. It had not been previously curated by ICSL or reported in the Human Gene Mutation Database (HGMD: prior to June 1st, 2018), and was therefore a candidate for classification through an automated scoring system. Utilizing variant allele frequency, disease prevalence and penetrance estimates, and inheritance mode, an automated score was calculated to assess if this variant is too frequent to cause the disease. Based on the score and internal cut-off values, a variant classified as benign is not then subjected to further curation. The score for this variant resulted in a classification of benign for this disease.

Illumina Laboratory Services, Illumina
Classification: Benign for Tibial muscular dystrophy. Last evaluated: 2018-01-12. Review status: criteria provided, single submitter. Criteria: ICSL Variant Classification Criteria 13 December 2019. Collection method: clinical testing. Allele origin: germline.
Comment: the same text as in the submission from Illumina Laboratory Services, Illumina above.

Illumina Laboratory Services, Illumina
Classification: Uncertain significance for Autosomal recessive limb-girdle muscular dystrophy type 2J. Last evaluated: 2018-01-12. Review status: criteria provided, single submitter. Criteria: ICSL Variant Classification Criteria 13 December 2019. Collection method: clinical testing. Allele origin: germline.

Illumina Laboratory Services, Illumina
Classification: Uncertain significance for Early-onset myopathy with fatal cardiomyopathy. Last evaluated: 2018-01-12. Review status: criteria provided, single submitter. Criteria: ICSL Variant Classification Criteria 13 December 2019. Collection method: clinical testing. Allele origin: germline.

GeneDx
Classification: Likely benign. Last evaluated: 2016-10-31. Review status: criteria provided, single submitter. Criteria: GeneDx Variant Classification (06012015). Collection method: clinical testing. Allele origin: germline. Affected: yes.
Comment: This variant is considered likely benign or benign based on one or more of the following criteria: it is a conservative change, it occurs at a poorly conserved position in the protein, it is predicted to be benign by multiple in silico algorithms, and/or has population frequency not consistent with disease.

Eurofins Ntd Llc (ga)
Classification: Uncertain significance. Last evaluated: 2016-02-24. Review status: criteria provided, single submitter. Criteria: EGL Classification Definitions 2015. Collection method: clinical testing. Allele origin: germline. Observed: 5 variant alleles, 5 heterozygotes.

Ambry Genetics
Classification: Likely benign for Cardiovascular phenotype. Last evaluated: 2015-06-29. Review status: criteria provided, single submitter. Criteria: Ambry Variant Classification Scheme 2023. Collection method: clinical testing. Allele origin: germline.

Laboratory for Molecular Medicine, Mass General Brigham Personalized Medicine
Classification: Likely benign. Last evaluated: 2012-03-19. Review status: criteria provided, single submitter. Criteria: LMM Criteria. Collection method: clinical testing. Allele origin: germline. Observed: 2 variant alleles.
Comment: Leu31407Leu in exon 307 of TTN: This variant is not expected to have clinical si gnificance because it does not alter an amino acid residue, is not located withi n the splice consensus sequence and It has been identified in 0.1% (7/6704) of E uropean American chromosomes from a broad population by the NHLBI Exome Sequenci ng Project. Leu31407Leu in exon 307 of TTN ( allele frequency = 0.1%, 7/6704) **

PreventionGenetics, part of Exact Sciences
Classification: Likely benign for TTN-related condition. Last evaluated: 2019-12-07. Review status: no assertion criteria provided. Collection method: clinical testing. Allele origin: germline. Not counted in ClinVar's aggregate classification.
Comment: This variant is classified as likely benign based on ACMG/AMP sequence variant interpretation guidelines (Richards et al. 2015 PMID: 25741868, with internal and published modifications).

Clinical Genetics DNA and cytogenetics Diagnostics Lab, Erasmus MC, Erasmus Medical Center
Classification: Likely benign. Review status: no assertion criteria provided. Collection method: clinical testing. Allele origin: germline. Affected: yes. Study: VKGL Data-share Consensus. Not counted in ClinVar's aggregate classification.

Clinical Genetics, Academic Medical Center
Classification: Benign. Review status: no assertion criteria provided. Collection method: clinical testing. Allele origin: germline. Affected: yes. Study: VKGL Data-share Consensus. Not counted in ClinVar's aggregate classification.

Diagnostic Laboratory, Department of Genetics, University Medical Center Groningen
Classification: Likely benign. Review status: no assertion criteria provided. Collection method: clinical testing. Allele origin: germline. Affected: yes. Study: VKGL Data-share Consensus. Not counted in ClinVar's aggregate classification.

Genome Diagnostics Laboratory, University Medical Center Utrecht
Classification: Likely benign. Review status: no assertion criteria provided. Collection method: clinical testing. Allele origin: germline. Affected: yes. Study: VKGL Data-share Consensus. Not counted in ClinVar's aggregate classification.

Joint Genome Diagnostic Labs from Nijmegen and Maastricht, Radboudumc and MUMC+
Classification: Likely benign. Review status: no assertion criteria provided. Collection method: clinical testing. Allele origin: germline. Affected: yes. Study: VKGL Data-share Consensus. Not counted in ClinVar's aggregate classification.